The following is an entry in ClinVar:

NM_001083116.3(PRF1):c.1066C>T (p.Arg356Trp)

Gene: PRF1 (perforin 1; minus strand). Cytogenetic location: 10q22.1.
Variant type: single nucleotide variant.
Coding change: c.1066C>T on transcript NM_001083116.3 (MANE Select); coding-DNA position 1066, C replaced by T.
Protein change: p.Arg356Trp; replaces arginine 356 with tryptophan.
Molecular consequence: missense variant.
Genome position (GRCh38, 1-based): chr10:70,598,655, G>A on the plus strand (C>T on the coding strand, the complement: PRF1 is on the minus strand). VCF-style: chr10-70598655-G-A. GRCh37 (hg19) VCF-style: chr10-72358411-G-A.
Other names: c.1066C>T, p.Arg356Trp (NM_005041.6); short protein forms R356W.
Identifiers: ClinVar variation 959332 (VCV000959332.13), dbSNP rs746365230, ClinGen allele CA5538835.

ClinVar aggregate classification (germline): Pathogenic/Likely pathogenic. Review status: criteria provided, multiple submitters, no conflicts (2 of 4 stars). 3 submissions from 3 submitters: Pathogenic (1); Likely pathogenic (2). Last evaluated 2025-09-15.

Conditions:
Aplastic anemia. Identifiers: Orphanet 182040, Orphanet 88, MedGen C0002874, MONDO:0015909, OMIM 609135, HP:0001915.
Familial hemophagocytic lymphohistiocytosis 2 (FHL2). Also called: PRF1-Related Familial Hemophagocytic Lymphohistiocytosis (PRF1-fHLH). Identifiers: Orphanet 540, MedGen C1863727, MONDO:0011337, OMIM 603553.

Allele frequency attached by ClinVar (database versions not stated): ExAC 0.00001; gnomAD 0.00001; gnomAD exomes 0.00001; TOPMed 0.00001.
gnomAD v4.1: 19 of 1,613,620 alleles (0.0012%); highest among the groups gnomAD compares: African/African-American, 0.0027%; no homozygotes.

Submissions (3):

Labcorp Genetics (formerly Invitae), Labcorp
Classification: Pathogenic for Familial hemophagocytic lymphohistiocytosis 2. Last evaluated: 2025-09-15. Review status: criteria provided, single submitter. Criteria: Invitae Variant Classification Sherloc (09022015). Collection method: clinical testing. Allele origin: germline.
Comment: This sequence change replaces arginine, which is basic and polar, with tryptophan, which is neutral and slightly polar, at codon 356 of the PRF1 protein (p.Arg356Trp). The frequency data for this variant in the population databases is considered unreliable, as metrics indicate poor data quality at this position in the gnomAD database. This missense change has been observed in individual(s) with hemophagocytic lymphohistiocytosis (PMID: 15728124, 18074390, 21674762, 21881043, 23073044, 29113160, 29357941). ClinVar contains an entry for this variant (Variation ID: 959332). Invitae Evidence Modeling of protein sequence and biophysical properties (such as structural, functional, and spatial information, amino acid conservation, physicochemical variation, residue mobility, and thermodynamic stability) indicates that this missense variant is expected to disrupt PRF1 protein function with a positive predictive value of 95%. Experimental studies have shown that this missense change affects PRF1 function (PMID: 19487666). For these reasons, this variant has been classified as Pathogenic.

Baylor Genetics
Classification: Likely pathogenic for Aplastic anemia. Last evaluated: 2024-03-27. Review status: criteria provided, single submitter. Criteria: ACMG Guidelines, 2015. Collection method: clinical testing. Allele origin: unknown.

Juno Genomics, Hangzhou Juno Genomics, Inc
Classification: Likely pathogenic for Familial hemophagocytic lymphohistiocytosis 2. Review status: criteria provided, single submitter. Criteria: ACMG Guidelines, 2015. Collection method: clinical testing. Allele origin: germline.
Comment: Absent from controls (or at extremely low frequency if recessive) in Genome Aggregation Database.;Well-established in vitro or in vivo functional studies supportive of a damaging effect on the gene or gene product.;For recessive disorders, detected in trans with a pathogenic variant.;Patient's phenotype or family history is highly specific for a disease with a single genetic etiology.

Literature cited by the submitters: PubMed 15728124 (cited by Labcorp Genetics (formerly Invitae), Labcorp); PubMed 18074390 (cited by Labcorp Genetics (formerly Invitae), Labcorp); PubMed 21674762 (cited by Labcorp Genetics (formerly Invitae), Labcorp); PubMed 21881043 (cited by Labcorp Genetics (formerly Invitae), Labcorp); PubMed 23073044 (cited by Labcorp Genetics (formerly Invitae), Labcorp); PubMed 29113160 (cited by Labcorp Genetics (formerly Invitae), Labcorp); PubMed 29357941 (cited by Labcorp Genetics (formerly Invitae), Labcorp); PubMed 19487666 (cited by Labcorp Genetics (formerly Invitae), Labcorp).